The following is an entry in ClinVar:

ClinVar aggregate classification (germline): Uncertain significance (1 of 4 stars; one submission).

Conditions:
Inborn genetic diseases. Identifiers: MedGen C0950123, MeSH D030342.

gnomAD v4.1: 11 of 1,614,200 alleles (0.00068%); highest among the groups gnomAD compares: Admixed American, 0.0017%; no homozygotes.

Submission:

Ambry Genetics
Classification: Uncertain significance for Inborn genetic diseases. Last evaluated: 2025-10-10. Review status: criteria provided, single submitter. Criteria: Ambry Variant Classification Scheme 2023. Collection method: clinical testing. Allele origin: germline.
Comment: The p.P434S variant (also known as c.1300C>T), located in coding exon 5 of the MBD4 gene, results from a C to T substitution at nucleotide position 1300. The proline at codon 434 is replaced by serine, an amino acid with similar properties. This amino acid position is conserved. In addition, this alteration is predicted to be deleterious by in silico analysis. Based on the available evidence, the clinical significance of this variant remains unclear.

NM_001276270.2(MBD4):c.1300C>T (p.Pro434Ser)

Gene: MBD4 (methyl-CpG binding domain 4, DNA glycosylase; minus strand). Cytogenetic location: 3q21.3.
Variant type: single nucleotide variant.
Coding change: c.1300C>T on transcript NM_001276270.2 (MANE Select); coding-DNA position 1300, C replaced by T.
Protein change: p.Pro434Ser; replaces proline 434 with serine.
Molecular consequence: missense variant.
Genome position (GRCh38, 1-based): chr3:129,433,943, G>A on the plus strand (C>T on the coding strand, the complement: MBD4 is on the minus strand). VCF-style: chr3-129433943-G-A. GRCh37 (hg19) VCF-style: chr3-129152786-G-A.
Other names: c.1318C>T, p.Pro440Ser (NM_001276271.2, NM_001276272.2, NM_003925.3); c.364C>T, p.Pro122Ser (NM_001276273.2); short protein forms P122S, P440S, P434S.
Identifiers: ClinVar variation 4624400 (VCV004624400.1).